The following is an entry in ClinVar:

NM_032578.4(MYPN):c.1019C>A (p.Ser340Tyr)

Gene: MYPN (myopalladin; plus strand). Cytogenetic location: 10q21.3.
Variant type: single nucleotide variant.
Coding change: c.1019C>A on transcript NM_032578.4 (MANE Select); coding-DNA position 1019, C replaced by A.
Protein change: p.Ser340Tyr; replaces serine 340 with tyrosine.
Molecular consequence: missense variant. On other transcripts: non-coding transcript variant (2).
Genome position (GRCh38, 1-based): chr10:68,143,056, C>A. VCF-style: chr10-68143056-C-A. GRCh37 (hg19) VCF-style: chr10-69902813-C-A.
Other names: c.1019C>A (NM_032578.2); c.1019C>A, p.Ser340Tyr (NM_001256267.2); c.137C>A, p.Ser46Tyr (NM_001256268.2); short protein forms S340Y, S46Y.
Identifiers: ClinVar variation 477736 (VCV000477736.9), dbSNP rs777080663, ClinGen allele CA376829327.

ClinVar aggregate classification (germline): Uncertain significance. Review status: criteria provided, multiple submitters, no conflicts (2 of 4 stars). 2 submissions from 2 submitters: Uncertain significance (2). Last evaluated 2025-04-23.

Conditions:
Cardiovascular phenotype. Identifiers: MedGen CN230736.
Dilated cardiomyopathy 1KK (CMD1KK). Identifiers: Orphanet 154, Orphanet 75249, MedGen C3714995, MONDO:0014100, OMIM 615248.

Submissions (2):

Ambry Genetics
Classification: Uncertain significance for Cardiovascular phenotype. Last evaluated: 2025-04-23. Review status: criteria provided, single submitter. Criteria: Ambry Variant Classification Scheme 2023. Collection method: clinical testing. Allele origin: germline.
Comment: The p.S340Y variant (also known as c.1019C>A), located in coding exon 2 of the MYPN gene, results from a C to A substitution at nucleotide position 1019. The serine at codon 340 is replaced by tyrosine, an amino acid with dissimilar properties. This amino acid position is conserved. In addition, this alteration is predicted to be deleterious by in silico analysis. Based on the available evidence, the clinical significance of this variant remains unclear.

Labcorp Genetics (formerly Invitae), Labcorp
Classification: Uncertain significance for Dilated cardiomyopathy 1KK. Last evaluated: 2017-04-21. Review status: criteria provided, single submitter. Criteria: Invitae Variant Classification Sherloc (09022015). Collection method: clinical testing. Allele origin: germline.
Comment: Algorithms developed to predict the effect of missense changes on protein structure and function do not agree on the potential impact of this missense change (SIFT: "Deleterious"; PolyPhen-2: "Probably Damaging"; Align-GVGD: "Class C0"). In summary, this variant is a novel missense change with uncertain impact on protein function. It has been classified as a Variant of Uncertain Significance. This variant is not present in population databases (ExAC no frequency) and has not been reported in the literature in individuals with a MYPN-related disease. This sequence change replaces serine with tyrosine at codon 340 of the MYPN protein (p.Ser340Tyr). The serine residue is highly conserved and there is a large physicochemical difference between serine and tyrosine.